The following is an entry in ClinVar:

ClinVar aggregate classification (germline): Conflicting classifications of pathogenicity. Review status: criteria provided, conflicting classifications (1 of 4 stars). 2 submissions from 2 submitters: Uncertain significance (1); Likely benign (1). Last evaluated 2025-07-21.

Allele frequency attached by ClinVar (database versions not stated): gnomAD exomes 0.00002 and 0.00003; TOPMed 0.00002; gnomAD 0.00001.
gnomAD v4.1: 38 of 1,518,290 alleles (0.0025%); highest among the groups gnomAD compares: Non-Finnish European, 0.0032%; no homozygotes.

Submissions (2):

Mayo Clinic Laboratories, Mayo Clinic
Classification: Likely benign. Last evaluated: 2025-07-21. Review status: criteria provided, single submitter. Criteria: ACMG Guidelines, 2015. Collection method: clinical testing. Allele origin: germline. Observed: 2 variant alleles.
Comment: BP4_moderate, BP5

Labcorp Genetics (formerly Invitae), Labcorp
Classification: Uncertain significance. Last evaluated: 2022-12-16. Review status: criteria provided, single submitter. Criteria: Invitae Variant Classification Sherloc (09022015). Collection method: clinical testing. Allele origin: germline.
Comment: In summary, the available evidence is currently insufficient to determine the role of this variant in disease. Therefore, it has been classified as a Variant of Uncertain Significance. This sequence change replaces valine, which is neutral and non-polar, with isoleucine, which is neutral and non-polar, at codon 150 of the NEFH protein (p.Val150Ile). This variant is present in population databases (rs769162779, gnomAD 0.01%). This variant has not been reported in the literature in individuals affected with NEFH-related conditions. ClinVar contains an entry for this variant (Variation ID: 1488157). Advanced modeling of protein sequence and biophysical properties (such as structural, functional, and spatial information, amino acid conservation, physicochemical variation, residue mobility, and thermodynamic stability) performed at Invitae indicates that this missense variant is not expected to disrupt NEFH protein function.

NM_021076.4(NEFH):c.448G>A (p.Val150Ile)

Gene: NEFH (neurofilament heavy chain; plus strand). Cytogenetic location: 22q12.2.
Variant type: single nucleotide variant.
Coding change: c.448G>A on transcript NM_021076.4 (MANE Select); coding-DNA position 448, G replaced by A.
Protein change: p.Val150Ile; replaces valine 150 with isoleucine.
Molecular consequence: missense variant.
Genome position (GRCh38, 1-based): chr22:29,480,710, G>A. VCF-style: chr22-29480710-G-A. GRCh37 (hg19) VCF-style: chr22-29876699-G-A.
Other names: p.Val150Ile; short protein forms V150I.
Identifiers: ClinVar variation 1488157 (VCV001488157.10), dbSNP rs769162779, ClinGen allele CA10174019.